The following is an entry in ClinVar:

NM_004715.5(CTDP1):c.2056G>A (p.Ala686Thr)

Gene: CTDP1 (CTD phosphatase subunit 1; plus strand). Cytogenetic location: 18q23.
Variant type: single nucleotide variant.
Coding change: c.2056G>A on transcript NM_004715.5 (MANE Select); coding-DNA position 2056, G replaced by A.
Protein change: p.Ala686Thr; replaces alanine 686 with threonine.
Molecular consequence: missense variant.
Genome position (GRCh38, 1-based): chr18:79,715,516, G>A. VCF-style: chr18-79715516-G-A. GRCh37 (hg19) VCF-style: chr18-77475516-G-A.
Other names: c.1699G>A, p.Ala567Thr (NM_001202504.1); c.2056G>A, p.Ala686Thr (NM_001318511.2, NM_048368.4); short protein forms A567T, A686T.
Identifiers: ClinVar variation 3361460 (VCV003361460.1).

ClinVar aggregate classification (germline): Uncertain significance (1 of 4 stars; one submission).

gnomAD v4.1: 3 of 1,554,054 alleles (0.00019%); highest among the groups gnomAD compares: Admixed American, 0.0019%; no homozygotes.

Submission:

GeneDx
Classification: Uncertain significance. Last evaluated: 2023-07-24. Review status: criteria provided, single submitter. Criteria: GeneDx Variant Classification Process June 2021. Collection method: clinical testing. Allele origin: germline. Affected: yes.
Comment: Not observed at significant frequency in large population cohorts (gnomAD); In silico analysis supports that this missense variant has a deleterious effect on protein structure/function; Has not been previously published as pathogenic or benign to our knowledge